The following is an entry in ClinVar:

NC_000001.10:g.(?_11073785)_(11082711_?)dup

Gene: TARDBP (TAR DNA binding protein; plus strand). Cytogenetic location: 1p36.22.
Variant type: Duplication.
Identifiers: ClinVar variation 3247789 (VCV003247789.1).

ClinVar aggregate classification (germline): Uncertain significance (1 of 4 stars; one submission).

Conditions:
Amyotrophic lateral sclerosis type 10 (ALS10). Also called: TARDBP-Related Amyotrophic Lateral Sclerosis-Frontotemporal Dementia; AMYOTROPHIC LATERAL SCLEROSIS 10 WITHOUT FRONTOTEMPORAL DEMENTIA AND WITH TDP43 INCLUSIONS; AMYOTROPHIC LATERAL SCLEROSIS 10 WITH OR WITHOUT FRONTOTEMPORAL DEMENTIA AND WITH TDP43 INCLUSIONS; AMYOTROPHIC LATERAL SCLEROSIS 10 WITH OR WITHOUT FRONTOTEMPORAL DEMENTIA; Amyotrophic lateral sclerosis 10, with or without FTD. Identifiers: Orphanet 275872, Orphanet 803, MedGen C2677565, MONDO:0012790, OMIM 612069.
FRONTOTEMPORAL LOBAR DEGENERATION WITH TDP43 INCLUSIONS, TARDBP-RELATED. Also called: Frontotemporal lobar degeneration, TARDBP-related. Identifiers: MedGen C3150169, OMIM 612069.

Submission:

Labcorp Genetics (formerly Invitae), Labcorp
Classification: Uncertain significance for Amyotrophic lateral sclerosis type 10; FRONTOTEMPORAL LOBAR DEGENERATION WITH TDP43 INCLUSIONS, TARDBP-RELATED. Last evaluated: 2024-01-26. Review status: criteria provided, single submitter. Criteria: Invitae Variant Classification Sherloc (09022015). Collection method: clinical testing. Allele origin: unknown.
Comment: A copy number gain of the genomic region encompassing the full coding sequence of the TARDBP gene has been identified. The boundaries of this event are unknown as they extend beyond the assayed region for this gene and therefore may encompass additional genes. As the precise location of this event is unknown, it may be in tandem or it may be located elsewhere in the genome. A similar copy number variant has been observed in individual(s) with amyotrophic lateral sclerosis (Invitae). Experimental studies and prediction algorithms are not available or were not evaluated, and the functional significance of this variant is currently unknown. In summary, the available evidence is currently insufficient to determine the role of this variant in disease. Therefore, it has been classified as a Variant of Uncertain Significance.